The following is an entry in ClinVar:

ClinVar aggregate classification (germline): Uncertain significance (1 of 4 stars; one submission).

Conditions:
Hereditary cancer-predisposing syndrome. Also called: Tumor predisposition; Hereditary neoplastic syndrome; Hereditary Cancer Syndrome; Neoplastic Syndromes, Hereditary. Identifiers: Orphanet 140162, MedGen C0027672, MeSH D009386, MONDO:0015356.

Submission:

Ambry Genetics
Classification: Uncertain significance for Hereditary cancer-predisposing syndrome. Last evaluated: 2023-09-26. Review status: criteria provided, single submitter. Criteria: Ambry Variant Classification Scheme 2023. Collection method: clinical testing. Allele origin: germline.
Comment: The p.R1585S variant (also known as c.4755A>C), located in coding exon 30 of the ATM gene, results from an A to C substitution at nucleotide position 4755. The arginine at codon 1585 is replaced by serine, an amino acid with dissimilar properties. This amino acid position is not well conserved in available vertebrate species. In addition, this alteration is predicted to be tolerated by in silico analysis. Since supporting evidence is limited at this time, the clinical significance of this alteration remains unclear.

NM_000051.4(ATM):c.4755A>C (p.Arg1585Ser)

Gene: ATM (ATM serine/threonine kinase; plus strand). Cytogenetic location: 11q22.3.
Variant type: single nucleotide variant.
Coding change: c.4755A>C on transcript NM_000051.4 (MANE Select); coding-DNA position 4755, A replaced by C.
Protein change: p.Arg1585Ser; replaces arginine 1585 with serine.
Molecular consequence: missense variant.
Genome position (GRCh38, 1-based): chr11:108,293,456, A>C. VCF-style: chr11-108293456-A-C. GRCh37 (hg19) VCF-style: chr11-108164183-A-C.
Other names: c.4755A>C, p.Arg1585Ser (NM_001351834.2); short protein forms R1585S.
Identifiers: ClinVar variation 3221489 (VCV003221489.1), dbSNP rs2135813544, ClinGen allele CA382535134.